The following is an entry in ClinVar:

ClinVar aggregate classification (germline): Uncertain significance. Review status: criteria provided, single submitter (1 of 4 stars). 2 submissions from 2 submitters: Uncertain significance (1). 1 of the submissions does not count toward it. Last evaluated 2024-08-13.

Allele frequency attached by ClinVar (database versions not stated): gnomAD exomes below 0.00001; TOPMed below 0.00001; gnomAD 0.00001.
gnomAD v4.1: 7 of 1,611,864 alleles (0.00043%); highest among the groups gnomAD compares: Non-Finnish European, 0.00051%; no homozygotes.

Submissions (2):

Labcorp Genetics (formerly Invitae), Labcorp
Classification: Uncertain significance. Last evaluated: 2024-08-13. Review status: criteria provided, single submitter. Criteria: Invitae Variant Classification Sherloc (09022015). Collection method: clinical testing. Allele origin: germline.
Comment: This sequence change replaces histidine, which is basic and polar, with tyrosine, which is neutral and polar, at codon 671 of the JAK2 protein (p.His671Tyr). This variant is not present in population databases (gnomAD no frequency). This variant has not been reported in the literature in individuals affected with JAK2-related conditions. ClinVar contains an entry for this variant (Variation ID: 134551). Advanced modeling of protein sequence and biophysical properties (such as structural, functional, and spatial information, amino acid conservation, physicochemical variation, residue mobility, and thermodynamic stability) performed at Invitae indicates that this missense variant is expected to disrupt JAK2 protein function with a positive predictive value of 80%. In summary, the available evidence is currently insufficient to determine the role of this variant in disease. Therefore, it has been classified as a Variant of Uncertain Significance.

ITMI
No classification provided. Condition: AllHighlyPenetrant. Last evaluated: 2013-09-19. Review status: no classification provided. Collection method: reference population. Allele origin: germline. Not counted in ClinVar's aggregate classification.
Comment: Please see associated publication for description of ethnicities

Literature cited by the submitters: PubMed 24728327 (cited by ITMI).

NM_004972.4(JAK2):c.2011C>T (p.His671Tyr)

Genes: JAK2 (Janus kinase 2; plus strand), INSL6 (insulin like 6; minus strand). Cytogenetic location: 9p24.1.
Variant type: single nucleotide variant.
Coding change: c.2011C>T on transcript NM_004972.4 (MANE Select); coding-DNA position 2011, C replaced by T.
Protein change: p.His671Tyr; replaces histidine 671 with tyrosine.
Molecular consequence: missense variant. On other transcripts: non-coding transcript variant (2).
Genome position (GRCh38, 1-based): chr9:5,078,324, C>T. VCF-style: chr9-5078324-C-T. GRCh37 (hg19) VCF-style: chr9-5078324-C-T.
Other names: c.796C>T, p.His266Tyr (NM_001322199.2, NM_001322198.2); c.1564C>T, p.His522Tyr (NM_001322204.2); c.2011C>T, p.His671Tyr (NM_001322194.2, NM_001322195.2, NM_001322196.2); short protein forms H671Y, H522Y, H266Y.
Identifiers: ClinVar variation 134551 (VCV000134551.4), dbSNP rs587778409, ClinGen allele CA160159.
Genomic context (GRCh38, chr9:5,078,324, plus strand): 5'-TGTGGACTGATATTTGAATATATGTGCGTTTAACTCTAATAGGAAGAAAACACCCTTATT[C>T]ATGGGAATGTATGTGCCAAAAATATTCTGCTTATCAGAGAAGAAGACAGGAAGACAGGAA-3'
Protein context (NP_004963.1, residues 661-681): MHFLEENTLI[His671Tyr]GNVCAKNILL